The following is an entry in ClinVar:

ClinVar aggregate classification (germline): Likely pathogenic (1 of 4 stars; one submission).

Conditions:
Hypodontia. Also called: Partial congenital absence of teeth; TOOTH AGENESIS, FAMILIAL; Tooth agenesis, selective. Identifiers: Orphanet 99798, MedGen C0020608, MONDO:0005486, HP:0000668. Disease mechanism: loss of function.

Submission:

Labcorp Genetics (formerly Invitae), Labcorp
Classification: Likely pathogenic for Hypodontia. Last evaluated: 2025-04-11. Review status: criteria provided, single submitter. Criteria: Invitae Variant Classification Sherloc (09022015). Collection method: clinical testing. Allele origin: germline.
Comment: This variant, c.125_127del, results in the deletion of 1 amino acid(s) of the PAX9 protein (p.Ile42del), but otherwise preserves the integrity of the reading frame. This variant is not present in population databases (gnomAD no frequency). This variant has been observed in individual(s) with oligodontia (internal data). In at least one individual the variant was observed to be de novo. Experimental studies and prediction algorithms are not available or were not evaluated, and the functional significance of this variant is currently unknown. In summary, the currently available evidence indicates that the variant is pathogenic, but additional data are needed to prove that conclusively. Therefore, this variant has been classified as Likely Pathogenic.

NM_001372076.1(PAX9):c.125_127del (p.Ile42del)

Gene: PAX9 (paired box 9; plus strand). Cytogenetic location: 14q13.3.
Variant type: Deletion.
Coding change: c.125_127del on transcript NM_001372076.1 (MANE Select); coding-DNA positions 125 to 127, 3 bases deleted (TCA; older notation c.125_127delTCA).
Protein change: p.Ile42del; deletes isoleucine 42.
Molecular consequence: inframe deletion.
Genome position (GRCh38, 1-based): chr14:36,663,017-36,663,019, TCA deleted; deleting any 3 consecutive bases within chr14:36,663,015-36,663,019 gives the same sequence; the c. name uses the placement nearest the transcript's 3' end. VCF-style (leftmost placement, unchanged base first): chr14-36663014-ACAT-A. GRCh37 (hg19) VCF-style: chr14-37132219-ACAT-A.
Other names: c.125_127del, p.Ile42del (NM_006194.4); short protein forms I42del.
Identifiers: ClinVar variation 4714276 (VCV004714276.1).
Genomic context (GRCh38, chr14:36,663,014, plus strand): 5'-TGCCCAACGCCATCCGGCTTCGCATCGTGGAACTGGCCCAACTGGGCATCCGACCGTGTG[ACAT>A]CAGCCGCCAGCTACGGGTCTCGCACGGCTGCGTCAGCAAGATCCTGGCGCGATACAACGA-3'